The following is an entry in ClinVar:

NM_004176.5(SREBF1):c.590C>T (p.Pro197Leu)

Gene: SREBF1 (sterol regulatory element binding transcription factor 1; minus strand). Cytogenetic location: 17p11.2.
Variant type: single nucleotide variant.
Coding change: c.590C>T on transcript NM_004176.5 (MANE Select); coding-DNA position 590, C replaced by T.
Protein change: p.Pro197Leu; replaces proline 197 with leucine.
Molecular consequence: missense variant. On other transcripts: non-coding transcript variant (4).
Genome position (GRCh38, 1-based): chr17:17,819,659, G>A on the plus strand (C>T on the coding strand, the complement: SREBF1 is on the minus strand). VCF-style: chr17-17819659-G-A. GRCh37 (hg19) VCF-style: chr17-17722973-G-A.
Other names: c.680C>T, p.Pro227Leu (NM_001005291.3); c.518C>T, p.Pro173Leu (NM_001321096.3); c.590C>T, p.Pro197Leu (NM_001388385.1, NM_001388386.1, NM_001388387.1 and 6 more transcripts); c.158C>T, p.Pro53Leu (NM_001388394.1); short protein forms P197L, P173L, P227L, P53L.
Identifiers: ClinVar variation 771024 (VCV000771024.28), dbSNP rs114001633, ClinGen allele CA8420260.
Genomic context (GRCh38, chr17:17,819,659, plus strand): 5'-GTGACTGTCAGTAGCTGCTGGGGGACCACACTCTGGACCTGGGTGTGCAAGGAGACGGGC[G>A]GGACCCCTGGCGGGGAAGCCAGTGGCAGGCCAGGCAGCGGCTGCTGGGTGTTCCCGGGAG-3'
Protein context (NP_004167.3, residues 187-207): GLPLASPPGV[Pro197Leu]PVSLHTQVQS

ClinVar aggregate classification (germline): Likely benign. Review status: criteria provided, multiple submitters, no conflicts (2 of 4 stars). 3 submissions from 3 submitters: Likely benign (3). Last evaluated 2026-03-01.

Allele frequency attached by ClinVar (database versions not stated): 1000 Genomes Project 0.00220; 1000 Genomes Project 30x 0.00234; ExAC 0.00496; gnomAD exomes 0.00507 and 0.00713; ESP Exome Variant Server 0.00516; gnomAD 0.00521 and 0.00535; TOPMed 0.00595.
gnomAD v4.1: 11,231 of 1,612,308 alleles (0.7%); highest among the groups gnomAD compares: Non-Finnish European, 0.84%; 56 homozygotes.

Submissions (3):

CeGaT Center for Human Genetics Tuebingen
Classification: Likely benign. Last evaluated: 2026-03-01. Review status: criteria provided, single submitter. Criteria: CeGaT Center For Human Genetics Tuebingen Variant Classification Criteria Version 2. Collection method: clinical testing. Allele origin: germline. Affected: yes. Observed: 2 variant alleles.
Comment: SREBF1: BP4, BS2

Labcorp Genetics (formerly Invitae), Labcorp
Classification: Likely benign. Last evaluated: 2018-07-16. Review status: criteria provided, single submitter. Criteria: Invitae Variant Classification Sherloc (09022015). Collection method: clinical testing. Allele origin: germline.

Breakthrough Genomics
Classification: Likely benign. Review status: criteria provided, single submitter. Criteria: ACMG Guidelines, 2015. Collection method: not provided. Allele origin: germline. Inheritance: Autosomal dominant inheritance. Affected: yes.